The following is an entry in ClinVar:

NM_000254.3(MTR):c.866-2A>C

Gene: MTR (5-methyltetrahydrofolate-homocysteine methyltransferase; plus strand). Cytogenetic location: 1q43.
Variant type: single nucleotide variant.
Coding change: c.866-2A>C on transcript NM_000254.3 (MANE Select); the canonical splice acceptor site of the intron before coding-DNA position 866, A replaced by C.
Molecular consequence: splice acceptor variant.
Genome position (GRCh38, 1-based): chr1:236,825,336, A>C. VCF-style: chr1-236825336-A-C. GRCh37 (hg19) VCF-style: chr1-236988636-A-C.
Other names: c.866-2A>C (NM_001291939.1, NM_001410942.1); c.-243-2A>C (NM_001291940.2).
Identifiers: ClinVar variation 2734112 (VCV002734112.4), dbSNP rs1324468065, ClinGen allele CA345389353.

ClinVar aggregate classification (germline): Pathogenic/Likely pathogenic. Review status: criteria provided, multiple submitters, no conflicts (2 of 4 stars). 2 submissions from 2 submitters: Pathogenic (1); Likely pathogenic (1). Last evaluated 2023-02-25.

Conditions:
Methylcobalamin deficiency type cblG (HMAG). Also called: HOMOCYSTINURIA-MEGALOBLASTIC ANEMIA DUE TO DEFECT IN COBALAMIN METABOLISM, cblG COMPLEMENTATION TYPE; HOMOCYSTINURIA-MEGALOBLASTIC ANEMIA, cblG COMPLEMENTATION TYPE; Functional methionine synthase deficiency type cblG; HOMOCYSTINURIA-MEGALOBLASTIC ANEMIA, cblG TYPE. Identifiers: Orphanet 2170, Orphanet 622, MedGen C1855128, MONDO:0009609, OMIM 250940.
Intellectual disability. Also called: Intellectual functioning disability; intellectual disabilities; Intellectual developmental disorder. Identifiers: MedGen C3714756, MeSH D008607, MONDO:0001071, HP:0001249.

Allele frequency attached by ClinVar (database versions not stated): gnomAD exomes 0.00001.
gnomAD v4.1: 17 of 1,611,966 alleles (0.0011%); highest among the groups gnomAD compares: Non-Finnish European, 0.0014%; no homozygotes.

Submissions (2):

Labcorp Genetics (formerly Invitae), Labcorp
Classification: Likely pathogenic for Methylcobalamin deficiency type cblG. Last evaluated: 2023-02-25. Review status: criteria provided, single submitter. Criteria: Invitae Variant Classification Sherloc (09022015). Collection method: clinical testing. Allele origin: germline.
Comment: In summary, the currently available evidence indicates that the variant is pathogenic, but additional data are needed to prove that conclusively. Therefore, this variant has been classified as Likely Pathogenic. Algorithms developed to predict the effect of sequence changes on RNA splicing suggest that this variant may disrupt the consensus splice site. This variant is also known as IVS9-2A>C. Disruption of this splice site has been observed in individual(s) with homocystinuria, cblG type (PMID: 12068375). This variant is present in population databases (no rsID available, gnomAD 0.003%). This sequence change affects an acceptor splice site in intron 9 of the MTR gene. It is expected to disrupt RNA splicing. Variants that disrupt the donor or acceptor splice site typically lead to a loss of protein function (PMID: 16199547), and loss-of-function variants in MTR are known to be pathogenic (PMID: 9683607, 12068375).

Cambridge Genomics Laboratory, East Genomic Laboratory Hub, NHS Genomic Medicine Service
Classification: Pathogenic for Intellectual disability. Last evaluated: 2019-09-09. Review status: criteria provided, single submitter. Criteria: ACGS Best Practice Guidelines for Variant Classification in Rare Disease 2020. Collection method: clinical testing. Allele origin: germline. Affected: yes. Observed: 1 variant allele.

Literature cited by the submitters: PubMed 12068375 (cited by Labcorp Genetics (formerly Invitae), Labcorp); PubMed 16199547 (cited by Labcorp Genetics (formerly Invitae), Labcorp); PubMed 9683607 (cited by Labcorp Genetics (formerly Invitae), Labcorp).